The following is an entry in ClinVar:

ClinVar aggregate classification (germline): Uncertain significance (1 of 4 stars; one submission).

Conditions:
Gastrointestinal stromal tumor. Also called: Gastrointestinal stromal tumor, somatic; Gastrointestinal stroma tumor. Identifiers: Orphanet 44890, MedGen C0238198, MeSH D046152, MONDO:0011719, OMIM 606764, HP:0100723.

Submission:

Labcorp Genetics (formerly Invitae), Labcorp
Classification: Uncertain significance for Gastrointestinal stromal tumor. Last evaluated: 2024-06-25. Review status: criteria provided, single submitter. Criteria: Invitae Variant Classification Sherloc (09022015). Collection method: clinical testing. Allele origin: germline.
Comment: This sequence change replaces isoleucine, which is neutral and non-polar, with leucine, which is neutral and non-polar, at codon 139 of the PDGFRA protein (p.Ile139Leu). This variant is not present in population databases (gnomAD no frequency). This variant has not been reported in the literature in individuals affected with PDGFRA-related conditions. Advanced modeling of protein sequence and biophysical properties (such as structural, functional, and spatial information, amino acid conservation, physicochemical variation, residue mobility, and thermodynamic stability) performed at Invitae indicates that this missense variant is not expected to disrupt PDGFRA protein function with a negative predictive value of 80%. In summary, the available evidence is currently insufficient to determine the role of this variant in disease. Therefore, it has been classified as a Variant of Uncertain Significance.

NM_006206.6(PDGFRA):c.415A>C (p.Ile139Leu)

Gene: PDGFRA (platelet derived growth factor receptor alpha; plus strand). Cytogenetic location: 4q12.
Variant type: single nucleotide variant.
Coding change: c.415A>C on transcript NM_006206.6 (MANE Select); coding-DNA position 415, A replaced by C.
Protein change: p.Ile139Leu; replaces isoleucine 139 with leucine.
Molecular consequence: missense variant.
Genome position (GRCh38, 1-based): chr4:54,263,714, A>C. VCF-style: chr4-54263714-A-C. GRCh37 (hg19) VCF-style: chr4-55129881-A-C.
Other names: c.415A>C, p.Ile139Leu (NM_001347827.2, NM_001347829.2); c.490A>C, p.Ile164Leu (NM_001347828.2); c.454A>C, p.Ile152Leu (NM_001347830.2); short protein forms I139L, I152L, I164L.
Identifiers: ClinVar variation 3657751 (VCV003657751.2).